The following is an entry in ClinVar:

NM_000059.4(BRCA2):c.7048A>G (p.Thr2350Ala)

Gene: BRCA2 (BRCA2 DNA repair associated; plus strand). Cytogenetic location: 13q13.1.
Variant type: single nucleotide variant.
Coding change: c.7048A>G on transcript NM_000059.4 (MANE Select); coding-DNA position 7048, A replaced by G.
Protein change: p.Thr2350Ala; replaces threonine 2350 with alanine.
Molecular consequence: missense variant. On other transcripts: non-coding transcript variant (1).
Genome position (GRCh38, 1-based): chr13:32,354,901, A>G. VCF-style: chr13-32354901-A-G. GRCh37 (hg19) VCF-style: chr13-32929038-A-G.
Other names: c.6952A>G, p.Thr2318Ala (NM_001406719.1); c.7048A>G, p.Thr2350Ala (NM_001406720.1, NM_001432077.1); c.2116A>G, p.Thr706Ala (NM_001406721.1); c.631A>G, p.Thr211Ala (NM_001406722.1); short protein forms T706A, T211A, T2318A, T2350A.
Identifiers: ClinVar variation 3679872 (VCV003679872.2).
Genomic context (GRCh38, chr13:32,354,901, plus strand): 5'-ATATTTTCTCCCCATTGCAGCACAACTAAGGAACGTCAAGAGATACAGAATCCAAATTTT[A>G]CCGCACCTGGTCAAGAATTTCTGTCTAAATCTCATTTGTATGAACATCTGACTTTGGAAA-3'
Protein context (NP_000050.3, residues 2340-2360): ERQEIQNPNF[Thr2350Ala]APGQEFLSKS

ClinVar aggregate classification (germline): Uncertain significance (1 of 4 stars; one submission).

Conditions:
Hereditary breast ovarian cancer syndrome. Also called: Hereditary breast and ovarian cancer syndrome (HBOC); BRCA1- and BRCA2-Associated Hereditary Breast and Ovarian Cancer; Hereditary breast and/or ovarian cancer syndrome; Hereditary breast and ovarian cancer; Breast and ovarian cancer; Hereditary breast and ovarian cancer syndrome. Identifiers: Orphanet 145, MedGen C0677776, MeSH D061325, MONDO:0003582. Disease mechanism: loss of function.

Submission:

Labcorp Genetics (formerly Invitae), Labcorp
Classification: Uncertain significance for Hereditary breast ovarian cancer syndrome. Last evaluated: 2024-05-07. Review status: criteria provided, single submitter. Criteria: Invitae Variant Classification Sherloc (09022015). Collection method: clinical testing. Allele origin: germline.
Comment: This sequence change replaces threonine, which is neutral and polar, with alanine, which is neutral and non-polar, at codon 2350 of the BRCA2 protein (p.Thr2350Ala). This variant is not present in population databases (gnomAD no frequency). This variant has not been reported in the literature in individuals affected with BRCA2-related conditions. Advanced modeling of protein sequence and biophysical properties (such as structural, functional, and spatial information, amino acid conservation, physicochemical variation, residue mobility, and thermodynamic stability) performed at Invitae indicates that this missense variant is not expected to disrupt BRCA2 protein function with a negative predictive value of 95%. In summary, the available evidence is currently insufficient to determine the role of this variant in disease. Therefore, it has been classified as a Variant of Uncertain Significance.